The following is an entry in ClinVar:

ClinVar aggregate classification (germline): Uncertain significance (1 of 4 stars; one submission).

Conditions:
Myofibrillar myopathy 5. Also called: FILAMINOPATHY, AUTOSOMAL DOMINANT; Filaminopathy (type). Identifiers: Orphanet 171445, MedGen C1836050, MONDO:0012289, OMIM 609524.
Distal myopathy with posterior leg and anterior hand involvement. Also called: WILLIAMS DISTAL MYOPATHY. Identifiers: Orphanet 63273, MedGen C3279722, MONDO:0013550, OMIM 614065.
Hypertrophic cardiomyopathy 26. Also called: Cardiomyopathy, familial hypertrophic, 26. Identifiers: Orphanet 75249, MedGen C4310749, MONDO:0014883, OMIM 617047.

Allele frequency attached by ClinVar (database versions not stated): gnomAD exomes below 0.00001.
gnomAD v4.1: 1 of 1,613,932 alleles (0.000062%); highest among the groups gnomAD compares: Non-Finnish European, 0.000085%; no homozygotes.

Submission:

Labcorp Genetics (formerly Invitae), Labcorp
Classification: Uncertain significance for Distal myopathy with posterior leg and anterior hand involvement; Myofibrillar myopathy 5; Hypertrophic cardiomyopathy 26. Last evaluated: 2020-01-26. Review status: criteria provided, single submitter. Criteria: Invitae Variant Classification Sherloc (09022015). Collection method: clinical testing. Allele origin: germline.
Comment: This sequence change replaces isoleucine with threonine at codon 2086 of the FLNC protein (p.Ile2086Thr). The isoleucine residue is highly conserved and there is a moderate physicochemical difference between isoleucine and threonine. In summary, the available evidence is currently insufficient to determine the role of this variant in disease. Therefore, it has been classified as a Variant of Uncertain Significance. Algorithms developed to predict the effect of missense changes on protein structure and function (SIFT, PolyPhen-2, Align-GVGD) all suggest that this variant is likely to be disruptive, but these predictions have not been confirmed by published functional studies and their clinical significance is uncertain. This variant has not been reported in the literature in individuals with FLNC-related conditions. This variant is not present in population databases (ExAC no frequency).

NM_001458.5(FLNC):c.6257T>C (p.Ile2086Thr)

Genes: FLNC-AS1 (FLNC antisense RNA 1; minus strand), FLNC (filamin C; plus strand). Cytogenetic location: 7q32.1.
Variant type: single nucleotide variant.
Coding change: c.6257T>C on transcript NM_001458.5 (MANE Select); coding-DNA position 6257, T replaced by C.
Protein change: p.Ile2086Thr; replaces isoleucine 2086 with threonine.
Molecular consequence: missense variant.
Genome position (GRCh38, 1-based): chr7:128,853,517, T>C. VCF-style: chr7-128853517-T-C. GRCh37 (hg19) VCF-style: chr7-128493571-T-C.
Other names: c.6158T>C, p.Ile2053Thr (NM_001127487.2); short protein forms I2086T, I2053T.
Identifiers: ClinVar variation 1040928 (VCV001040928.10), dbSNP rs1808913302, ClinGen allele CA369211922.